The following is an entry in ClinVar:

ClinVar aggregate classification (germline): Likely pathogenic (1 of 4 stars; one submission).

Conditions:
Pontocerebellar hypoplasia type 2B (PCH2B). Identifiers: Orphanet 2524, MedGen C2676466, MONDO:0012890, OMIM 612389.

Submission:

OLLIN Analises Genomicas, OLLIN
Classification: Likely pathogenic for Pontocerebellar hypoplasia type 2B. Last evaluated: 2026-02-13. Review status: criteria provided, single submitter. Criteria: ACMG Guidelines 2015 PMID 25741868. Collection method: clinical testing. Allele origin: germline. Observed: 1 variant allele.
Comment: PVS1, PM2_P

NM_025265.4(TSEN2):c.1260_1264del (p.Cys421fs)

Gene: TSEN2 (tRNA splicing endonuclease subunit 2; plus strand). Cytogenetic location: 3p25.2.
Variant type: Deletion.
Coding change: c.1260_1264del on transcript NM_025265.4 (MANE Select); coding-DNA positions 1260 to 1264, 5 bases deleted (GTGCT; older notation c.1260_1264delGTGCT).
Protein change: p.Cys421fs; shifts the reading frame from cysteine 421.
Molecular consequence: frameshift variant. On other transcripts: non-coding transcript variant (1).
Genome position (GRCh38, 1-based): chr3:12,531,581-12,531,585, GTGCT deleted; deleting any 5 consecutive bases within chr3:12,531,577-12,531,585 gives the same sequence; the c. name uses the placement nearest the transcript's 3' end. VCF-style (leftmost placement, unchanged base first): chr3-12531576-ATGCTG-A. GRCh37 (hg19) VCF-style: chr3-12573075-ATGCTG-A.
Other names: c.1260_1264del, p.Cys421fs (NM_001145392.2, NM_001321277.2, NM_001321278.2); c.1182_1186del, p.Cys395fs (NM_001145393.3, NM_001321279.2); c.1083_1087del, p.Cys362fs (NM_001145394.2); short protein forms C362fs, C395fs, C421fs.
Identifiers: ClinVar variation 4814061 (VCV004814061.1).
Genomic context (GRCh38, chr3:12,531,576, plus strand): 5'-AAATTTGTACTATTATTTTGTAGGATACAGAAGTGGTTTTTCATTTCTCAATAGGAACTT[ATGCTG>A]TGCTATTTGATTAAACCCTCTACTATGACTGACAAGGAAATGGAGTCACCAGAATGTATG-3'